The following is an entry in ClinVar:

NM_018489.3(ASH1L):c.5000C>T (p.Ser1667Phe)

Gene: ASH1L (ASH1 like histone lysine methyltransferase; minus strand). Cytogenetic location: 1q22.
Variant type: single nucleotide variant.
Coding change: c.5000C>T on transcript NM_018489.3 (MANE Select); coding-DNA position 5000, C replaced by T.
Protein change: p.Ser1667Phe; replaces serine 1667 with phenylalanine.
Molecular consequence: missense variant.
Genome position (GRCh38, 1-based): chr1:155,459,883, G>A on the plus strand (C>T on the coding strand, the complement: ASH1L is on the minus strand). VCF-style: chr1-155459883-G-A. GRCh37 (hg19) VCF-style: chr1-155429674-G-A.
Other names: c.5000C>T, p.Ser1667Phe (NM_001366177.2); short protein forms S1667F.
Identifiers: ClinVar variation 3032075 (VCV003032075.2), dbSNP rs1664157829, ClinGen allele CA342689089.

ClinVar aggregate classification (germline): Uncertain significance (0 of 4 stars; one submission).

Conditions:
ASH1L-related disorder. Also called: ASH1L-related condition.

Submission:

PreventionGenetics, part of Exact Sciences
Classification: Uncertain significance for ASH1L-related condition. Last evaluated: 2024-01-30. Review status: no assertion criteria provided. Collection method: clinical testing. Allele origin: germline.
Comment: The ASH1L c.5000C>T variant is predicted to result in the amino acid substitution p.Ser1667Phe. To our knowledge, this variant has not been reported in the literature or in a large population database, indicating this variant is rare. At this time, the clinical significance of this variant is uncertain due to the absence of conclusive functional and genetic evidence.